The following is an entry in ClinVar:

ClinVar aggregate classification (germline): Benign. Review status: criteria provided, multiple submitters, no conflicts (2 of 4 stars). 2 submissions from 2 submitters: Benign (2). Last evaluated 2018-01-12.

Conditions:
Nystagmus 1, congenital, X-linked. Also called: NYSTAGMUS 1, INFANTILE, X-LINKED; NYSTAGMUS, CONGENITAL MOTOR, 1; NYSTAGMUS, INFANTILE IDIOPATHIC; NYSTAGMUS, INFANTILE PERIODIC ALTERNATING, X-LINKED; FRMD7-Related Infantile Nystagmus. Identifiers: MedGen C1839580, MONDO:0010693, OMIM 310700.

Allele frequency attached by ClinVar (database versions not stated): 1000 Genomes Project 30x 0.06493; 1000 Genomes Project 0.06517; TOPMed 0.08401; gnomAD 0.08984 and 0.09070.

Submissions (2):

Illumina Laboratory Services, Illumina
Classification: Benign for Nystagmus 1, congenital, X-linked. Last evaluated: 2018-01-12. Review status: criteria provided, single submitter. Criteria: ICSL Variant Classification Criteria 13 December 2019. Collection method: clinical testing. Allele origin: germline.
Comment: This variant was observed in the ICSL laboratory as part of a predisposition screen in an ostensibly healthy population. It had not been previously curated by ICSL or reported in the Human Gene Mutation Database (HGMD: prior to June 1st, 2018), and was therefore a candidate for classification through an automated scoring system. Utilizing variant allele frequency, disease prevalence and penetrance estimates, and inheritance mode, an automated score was calculated to assess if this variant is too frequent to cause the disease. Based on the score and internal cut-off values, a variant classified as benign is not then subjected to further curation. The score for this variant resulted in a classification of benign for this disease.

Breakthrough Genomics
Classification: Benign. Review status: criteria provided, single submitter. Criteria: ACMG Guidelines, 2015. Collection method: not provided. Allele origin: germline. Inheritance: X-linked inheritance. Affected: yes.

NM_194277.3(FRMD7):c.*816G>A

Gene: FRMD7 (FERM domain containing 7; minus strand). Cytogenetic location: Xq26.2.
Variant type: single nucleotide variant.
Coding change: c.*816G>A on transcript NM_194277.3 (MANE Select); 816 bases downstream of the stop codon, G replaced by A.
Molecular consequence: 3 prime UTR variant.
Genome position (GRCh38, 1-based): chrX:132,077,056, C>T on the plus strand (G>A on the coding strand, the complement: FRMD7 is on the minus strand). VCF-style: chrX-132077056-C-T. GRCh37 (hg19) VCF-style: chrX-131211084-C-T.
Other names: c.*816G>A (NM_001306193.2).
Identifiers: ClinVar variation 367898 (VCV000367898.6), dbSNP rs41312755, ClinGen allele CA10651695.